The following is an entry in ClinVar:

ClinVar aggregate classification (germline): Likely pathogenic (1 of 4 stars; one submission).

Conditions:
Arthrogryposis, distal, type 1A. Also called: ARTHROGRYPOSIS MULTIPLEX CONGENITA, DISTAL, TYPE I. Identifiers: Orphanet 1146, MedGen C6022280, MONDO:0007157, OMIM 108120.

Submission:

Labcorp Genetics (formerly Invitae), Labcorp
Classification: Likely pathogenic for Arthrogryposis, distal, type 1A. Last evaluated: 2024-07-22. Review status: criteria provided, single submitter. Criteria: Invitae Variant Classification Sherloc (09022015). Collection method: clinical testing. Allele origin: germline.
Comment: This sequence change replaces glutamic acid, which is acidic and polar, with lysine, which is basic and polar, at codon 122 of the TPM2 protein (p.Glu122Lys). This variant is not present in population databases (gnomAD no frequency). This missense change has been observed in individual(s) with autosomal dominant congenital myopathy (PMID: 22749895). In at least one individual the variant was observed to be de novo. ClinVar contains an entry for this variant (Variation ID: 1067848). Advanced modeling of protein sequence and biophysical properties (such as structural, functional, and spatial information, amino acid conservation, physicochemical variation, residue mobility, and thermodynamic stability) performed at Invitae indicates that this missense variant is not expected to disrupt TPM2 protein function with a negative predictive value of 80%. Experimental studies have shown that this missense change affects TPM2 function (PMID: 24039757, 35579956). In summary, the currently available evidence indicates that the variant is pathogenic, but additional data are needed to prove that conclusively. Therefore, this variant has been classified as Likely Pathogenic.

Literature cited by the submitters: PubMed 22749895; PubMed 24039757; PubMed 35579956.

NM_003289.4(TPM2):c.364G>A (p.Glu122Lys)

Gene: TPM2 (tropomyosin 2; minus strand). Cytogenetic location: 9p13.3.
Variant type: single nucleotide variant.
Coding change: c.364G>A on transcript NM_003289.4 (MANE Select); coding-DNA position 364, G replaced by A.
Protein change: p.Glu122Lys; replaces glutamic acid 122 with lysine.
Molecular consequence: missense variant.
Genome position (GRCh38, 1-based): chr9:35,685,657, C>T on the plus strand (G>A on the coding strand, the complement: TPM2 is on the minus strand). VCF-style: chr9-35685657-C-T. GRCh37 (hg19) VCF-style: chr9-35685654-C-T.
Other names: c.364G>A, p.Glu122Lys (NM_001301226.2, NM_001301227.2, NM_213674.1); short protein forms E122K.
Identifiers: ClinVar variation 1067848 (VCV001067848.9), dbSNP rs2131853219, ClinGen allele CA373367963.